The following is an entry in ClinVar:

NM_000238.4(KCNH2):c.1826A>G (p.Asp609Gly)

Gene: KCNH2 (potassium voltage-gated channel subfamily H member 2; minus strand). Cytogenetic location: 7q36.1.
Variant type: single nucleotide variant.
Coding change: c.1826A>G on transcript NM_000238.4 (MANE Select); coding-DNA position 1826, A replaced by G.
Protein change: p.Asp609Gly; replaces aspartic acid 609 with glycine.
Molecular consequence: missense variant.
Genome position (GRCh38, 1-based): chr7:150,951,567, T>C on the plus strand (A>G on the coding strand, the complement: KCNH2 is on the minus strand). VCF-style: chr7-150951567-T-C. GRCh37 (hg19) VCF-style: chr7-150648655-T-C.
Other names: c.1826A>G (LRG_288t1); c.806A>G, p.Asp269Gly (NM_001204798.2, NM_172057.3); c.1538A>G, p.Asp513Gly (NM_001406753.1, NM_001406756.1); c.1649A>G, p.Asp550Gly (NM_001406755.1); c.1526A>G, p.Asp509Gly (NM_001406757.1); c.1826A>G, p.Asp609Gly (NM_172056.3); short protein forms D269G, D609G, D513G, D509G, D550G.
Identifiers: ClinVar variation 67289 (VCV000067289.10), dbSNP rs199472940, ClinGen allele CA005614.

ClinVar aggregate classification (germline): Conflicting classifications of pathogenicity. Review status: criteria provided, conflicting classifications (1 of 4 stars). 3 submissions from 3 submitters: Pathogenic (1); Uncertain significance (1). 1 of the submissions does not count toward it. Last evaluated 2024-10-23.

Conditions:
Cardiovascular phenotype. Identifiers: MedGen CN230736.
Familial long QT syndrome (RWS). Also called: Congenital long QT syndrome; Romano-Ward syndrome; VENTRICULAR FIBRILLATION WITH PROLONGED QT INTERVAL. Identifiers: Orphanet 768, MedGen C1141890, MONDO:0019171.
Long QT syndrome (LQTS). Identifiers: MedGen C0023976, MeSH D008133, MONDO:0002442. Disease mechanism: loss of function. Inheritance: Various modes of inheritance.

Submissions (3):

Labcorp Genetics (formerly Invitae), Labcorp
Classification: Uncertain significance for Long QT syndrome. Last evaluated: 2024-10-23. Review status: criteria provided, single submitter. Criteria: Invitae Variant Classification Sherloc (09022015). Collection method: clinical testing. Allele origin: germline.
Comment: This sequence change replaces aspartic acid, which is acidic and polar, with glycine, which is neutral and non-polar, at codon 609 of the KCNH2 protein (p.Asp609Gly). This variant is not present in population databases (gnomAD no frequency). This missense change has been observed in individual(s) with long QT syndrome and arrhythmogenic cardiomyopathy (PMID: 15500450, 30844837; internal data). ClinVar contains an entry for this variant (Variation ID: 67289). An algorithm developed to predict the effect of missense changes on protein structure and function (PolyPhen-2) suggests that this variant is likely to be disruptive. Experimental studies have shown that this missense change affects KCNH2 function (PMID: 15500450, 25417810). This variant disrupts the p.Asp609 amino acid residue in KCNH2. Other variant(s) that disrupt this residue have been determined to be pathogenic (PMID: 10973849, 11222472, 11854117, 18808722, 25417810, 26669661). This suggests that this residue is clinically significant, and that variants that disrupt this residue are likely to be disease-causing. In summary, the available evidence is currently insufficient to determine the role of this variant in disease. Therefore, it has been classified as a Variant of Uncertain Significance.

Ambry Genetics
Classification: Pathogenic for Cardiovascular phenotype. Last evaluated: 2018-03-07. Review status: criteria provided, single submitter. Criteria: Ambry Variant Classification Scheme 2023. Collection method: clinical testing. Allele origin: germline.
Comment: The p.D609G pathogenic mutation (also known as c.1826A>G), located in coding exon 7 of the KCNH2 gene, results from an A to G substitution at nucleotide position 1826. The aspartic acid at codon 609 is replaced by glycine, an amino acid with similar properties, and is located in the S5/pore transmembrane spanning region. This alteration was determined to be the result of a de novo mutation in one individual with a severely prolonged QT interval who was also heterozygous for an alteration in KCNQ1 (Yamaguchi M et al. Clin. Sci. 2005;108:143-50). In addition, in a study of long QT syndrome (LQTS) clinical genetic testing, this alteration was reported in one patient; however, clinical details were limited (Kapplinger JD et al. Heart Rhythm, 2009 Sep;6:1297-303). Functional studies indicate that this variant has deficient protein function (Yamaguchi M et al. Clin. Sci. 2005;108:143-50; Anderson CL et al. Nat Commun. 2014;5:5535). Furthermore, a likely pathogenic alteration affecting the same codon, p.D609N, has also been reported in association with LQTS (Westenskow P et al. Circulation. 2004;109:1834-41). Based on the supporting evidence, this alteration is interpreted as a disease-causing mutation.

Cardiovascular Biomedical Research Unit, Royal Brompton & Harefield NHS Foundation Trust
No classification provided. Condition: Familial long QT syndrome. Review status: no classification provided. Collection method: literature only. Allele origin: germline. Not counted in ClinVar's aggregate classification.
Comment: This variant has been reported as associated with Long QT syndrome in the following publications (PMID:15500450;PMID:19716085). This is a literature report, and does not necessarily reflect the clinical interpretation of the Imperial College / Royal Brompton Cardiovascular Genetics laboratory.

Literature cited by the submitters: PubMed 15500450 (cited by 3 submitters); PubMed 30844837 (cited by Labcorp Genetics (formerly Invitae), Labcorp); PubMed 25417810 (cited by Labcorp Genetics (formerly Invitae), Labcorp and Ambry Genetics); PubMed 10973849 (cited by Labcorp Genetics (formerly Invitae), Labcorp); PubMed 11222472 (cited by Labcorp Genetics (formerly Invitae), Labcorp); PubMed 11854117 (cited by Labcorp Genetics (formerly Invitae), Labcorp); PubMed 18808722 (cited by Labcorp Genetics (formerly Invitae), Labcorp); PubMed 26669661 (cited by Labcorp Genetics (formerly Invitae), Labcorp); PubMed 19716085 (cited by Ambry Genetics and Cardiovascular Biomedical Research Unit, Royal Brompton & Harefield NHS Foundation Trust); PubMed 22581653 (cited by Cardiovascular Biomedical Research Unit, Royal Brompton & Harefield NHS Foundation Trust).